The following is an entry in ClinVar:

ClinVar aggregate classification (germline): Pathogenic (1 of 4 stars; one submission).

Conditions:
Spondyloenchondrodysplasia with immune dysregulation (SPENCDI). Also called: COMBINED IMMUNODEFICIENCY WITH AUTOIMMUNITY AND SPONDYLOMETAPHYSEAL DYSPLASIA; ROIFMAN IMMUNOSKELETAL SYNDROME; SPONDYLOENCHONDRODYSPLASIA WITH OR WITHOUT IMMUNE DYSREGULATION. Identifiers: Orphanet 1855, MedGen C1842763, MONDO:0011939, OMIM 607944.

Allele frequency attached by ClinVar (database versions not stated): gnomAD exomes 0.00001.

Submission:

Labcorp Genetics (formerly Invitae), Labcorp
Classification: Pathogenic for Spondyloenchondrodysplasia with immune dysregulation. Last evaluated: 2025-11-24. Review status: criteria provided, single submitter. Criteria: Invitae Variant Classification Sherloc (09022015). Collection method: clinical testing. Allele origin: germline.
Comment: This sequence change replaces aspartic acid, which is acidic and polar, with asparagine, which is neutral and polar, at codon 241 of the ACP5 protein (p.Asp241Asn). This variant is not present in population databases (gnomAD no frequency). This missense change has been observed in individual(s) with clinical features of spondyloenchondrodysplasia (PMID: 21217755; internal data). In at least one individual the data is consistent with being in trans (on the opposite chromosome) from a pathogenic variant. It has also been observed to segregate with disease in related individuals. ClinVar contains an entry for this variant (Variation ID: 1510689). Invitae Evidence Modeling of protein sequence and biophysical properties (such as structural, functional, and spatial information, amino acid conservation, physicochemical variation, residue mobility, and thermodynamic stability) indicates that this missense variant is expected to disrupt ACP5 protein function with a positive predictive value of 95%. Experimental studies have shown that this missense change affects ACP5 function (PMID: 32214327). For these reasons, this variant has been classified as Pathogenic.

Literature cited by the submitters: PubMed 21217755; PubMed 32214327.

NM_001611.5(ACP5):c.721G>A (p.Asp241Asn)

Gene: ACP5 (acid phosphatase 5, tartrate resistant; minus strand). Cytogenetic location: 19p13.2.
Variant type: single nucleotide variant.
Coding change: c.721G>A on transcript NM_001611.5 (MANE Select); coding-DNA position 721, G replaced by A.
Protein change: p.Asp241Asn; replaces aspartic acid 241 with asparagine.
Molecular consequence: missense variant.
Genome position (GRCh38, 1-based): chr19:11,576,257, C>T on the plus strand (G>A on the coding strand, the complement: ACP5 is on the minus strand). VCF-style: chr19-11576257-C-T. GRCh37 (hg19) VCF-style: chr19-11687072-C-T.
Other names: c.721G>A, p.Asp241Asn (NM_001111034.3, NM_001111035.3, NM_001111036.3 and 1 more transcripts); short protein forms D241N.
Identifiers: ClinVar variation 1510689 (VCV001510689.8), dbSNP rs2145087630, ClinGen allele CA404146079.